The following is an entry in ClinVar:

NM_001379403.1(WDR26):c.1338T>C (p.Tyr446=)

Gene: WDR26 (WD repeat domain 26; minus strand). Cytogenetic location: 1q42.12.
Variant type: single nucleotide variant.
Coding change: c.1338T>C on transcript NM_001379403.1 (MANE Select); coding-DNA position 1338, T replaced by C.
Protein change: p.Tyr446=; no amino-acid change (tyrosine 446 retained).
Molecular consequence: synonymous variant.
Genome position (GRCh38, 1-based): chr1:224,411,547, A>G on the plus strand (T>C on the coding strand, the complement: WDR26 is on the minus strand). VCF-style: chr1-224411547-A-G. GRCh37 (hg19) VCF-style: chr1-224599249-A-G.
Other names: c.990T>C, p.Tyr330= (NM_001115113.3); c.1038T>C, p.Tyr346= (NM_025160.7).
Identifiers: ClinVar variation 3030813 (VCV003030813.2), dbSNP rs748379928, ClinGen allele CA1415031.
Genomic context (GRCh38, chr1:224,411,547, plus strand): 5'-ATCATTAGAGAATTTACAGAACCACACTTCATTACAATGCTCCGTAAGTATCTGCTGCGT[A>G]TAACATGGGAACTGCCTCCTAAAACAAAGAGGTCCACAAATTATTCTTTCAAAACAGATT-3'
Protein context (NP_001366332.1, residues 436-456): HVCSRRQFPC[Tyr446=]TQQILTEHCN

ClinVar aggregate classification (germline): Likely benign (0 of 4 stars; one submission).

Conditions:
WDR26-related disorder. Also called: WDR26-related condition.

Allele frequency attached by ClinVar (database versions not stated): gnomAD 0.00001; gnomAD exomes 0.00002; TOPMed 0.00002; ExAC 0.00005.
gnomAD v4.1: 22 of 1,609,042 alleles (0.0014%); highest among the groups gnomAD compares: Admixed American, 0.029%; no homozygotes.

Submission:

PreventionGenetics, part of Exact Sciences
Classification: Likely benign for WDR26-related condition. Last evaluated: 2023-11-16. Review status: no assertion criteria provided. Collection method: clinical testing. Allele origin: germline.
Comment: This variant is classified as likely benign based on ACMG/AMP sequence variant interpretation guidelines (Richards et al. 2015 PMID: 25741868, with internal and published modifications).